The following is an entry in ClinVar:

ClinVar aggregate classification (germline): Uncertain significance (1 of 4 stars; one submission).

Conditions:
Hereditary cancer-predisposing syndrome. Also called: Hereditary neoplastic syndrome; Tumor predisposition; Hereditary Cancer Syndrome; Neoplastic Syndromes, Hereditary. Identifiers: Orphanet 140162, MedGen C0027672, MeSH D009386, MONDO:0015356.

Submission:

Ambry Genetics
Classification: Uncertain significance for Hereditary cancer-predisposing syndrome. Last evaluated: 2023-09-13. Review status: criteria provided, single submitter. Criteria: Ambry Variant Classification Scheme 2023. Collection method: clinical testing. Allele origin: germline.
Comment: The c.1593_1610del18 variant (also known as p.H532_E537del) is located in coding exon 11 of the PMS2 gene. This variant results from an in-frame ACATGTGGACTCTCAGGA deletion at nucleotide positions 1593 to 1610. This results in the in-frame deletion of six amino acids from codons 532 to 537. This amino acid region is not well conserved in available vertebrate species.In addition, the in silico prediction for this alteration is inconclusive (Choi Y et al. PLoS ONE. 2012; 7(10):e46688). Since supporting evidence is limited at this time, the clinical significance of this alteration remains unclear.

NM_000535.7(PMS2):c.1593_1610del (p.His532_Glu537del)

Gene: PMS2 (PMS1 homolog 2, mismatch repair system component; minus strand). Cytogenetic location: 7p22.1.
Variant type: Deletion.
Coding change: c.1593_1610del on transcript NM_000535.7 (MANE Select); coding-DNA positions 1593 to 1610, 18 bases deleted (ACATGTGGACTCTCAGGA).
Protein change: p.His532_Glu537del.
Molecular consequence: inframe deletion. On other transcripts: inframe indel (2), non-coding transcript variant (1), intron variant (1).
Genome position (GRCh38, 1-based): chr7:5,987,155-5,987,172, TCCTGAGAGTCCACATGT deleted on the plus strand (ACATGTGGACTCTCAGGA on the coding strand, the reverse complement: PMS2 is on the minus strand); deleting any 18 consecutive bases within chr7:5,987,155-5,987,177 gives the same sequence; the c. name uses the placement nearest the transcript's 3' end. VCF-style (leftmost placement, unchanged base first): chr7-5987154-CTCCTGAGAGTCCACATGT-C. GRCh37 (hg19) VCF-style: chr7-6026785-CTCCTGAGAGTCCACATGT-C.
Other names: c.1183_1200del18, p.His397_Glu402del (NM_001018040.1); c.1188_1205del, p.His397_Glu402del (NM_001322003.2, NM_001322004.2, NM_001322005.2 and 16 more transcripts); c.1437_1454del, p.His480_Glu485del (NM_001322006.2, NM_001406870.1); c.1275_1292del, p.His426_Glu431del (NM_001322007.2, NM_001322008.2, NM_001406876.1 and 2 more transcripts); c.1032_1049del, p.His345_Glu350del (NM_001322010.2, NM_001406906.1, NM_001406907.1); c.660_677del, p.His221_Glu226del (NM_001322011.2, NM_001322012.2); c.1020_1037del, p.His341_Glu346del (NM_001322013.2, NM_001406909.1); c.1593_1610del, p.His532_Glu537del (NM_001322014.2, NM_001406871.1, NM_001406872.1); and 15 more.
Identifiers: ClinVar variation 2586347 (VCV002586347.2), dbSNP rs587780043, ClinGen allele CA2582341722.